The following is an entry in ClinVar:

ClinVar aggregate classification (germline): Likely benign (1 of 4 stars; one submission).

Conditions:
HSPB1-related disorder. Also called: HSPB1-related condition; HSPB1-related disorders.

Submission:

PreventionGenetics, part of Exact Sciences
Classification: Likely benign for HSPB1-related condition. Last evaluated: 2026-02-19. Review status: criteria provided, single submitter. Criteria: ACMG Guidelines, 2015. Collection method: clinical testing. Allele origin: germline.
Comment: This variant is classified as likely benign based on ACMG/AMP sequence variant interpretation guidelines (Richards et al. 2015 PMID: 25741868, with internal and published modifications).

NC_000007.14:g.76302510T>C

Gene: HSPB1 (heat shock protein family B (small) member 1; plus strand). Cytogenetic location: 7q11.23.
Variant type: single nucleotide variant.
Genome position: GRCh38 VCF-style: chr7-76302510-T-C. GRCh37 (hg19) VCF-style: chr7-75931827-T-C.
Identifiers: ClinVar variation 4980103 (VCV004980103.1).